The following is an entry in ClinVar:

NC_000016.9:g.(?_21716470)_(21737999_?)dup

Gene: OTOA (otoancorin). Cytogenetic location: 16p12.2.
Variant type: Duplication.
Identifiers: ClinVar variation 3243672 (VCV003243672.1).

ClinVar aggregate classification (germline): Likely pathogenic (1 of 4 stars; one submission).

Submission:

Labcorp Genetics (formerly Invitae), Labcorp
Classification: Likely pathogenic. Last evaluated: 2023-06-28. Review status: criteria provided, single submitter. Criteria: Invitae Variant Classification Sherloc (09022015). Collection method: clinical testing. Allele origin: unknown.
Comment: This variant has not been reported in the literature in individuals affected with OTOA-related conditions. In summary, the currently available evidence indicates that the variant is pathogenic, but additional data are needed to prove that conclusively. Therefore, this variant has been classified as Likely Pathogenic. This variant results in a copy number gain of the genomic region encompassing exon(s) 11-18 of the OTOA gene. While the exact position of this variant cannot be determined from the data, sub-genic copy number gains are generally in tandem (PMID: 25640679). This variant is predicted to be out-of-frame, and may result in an absent or disrupted protein product. Loss-of-function variants in OTOA are known to be pathogenic (PMID: 11972037).

Literature cited by the submitters: PubMed 25640679; PubMed 11972037.